The following is an entry in ClinVar:

ClinVar aggregate classification (germline): Uncertain significance. Review status: criteria provided, multiple submitters, no conflicts (2 of 4 stars). 2 submissions from 2 submitters: Uncertain significance (2). Last evaluated 2026-05-12.

Conditions:
Hereditary cancer-predisposing syndrome. Also called: Neoplastic Syndromes, Hereditary; Tumor predisposition; Hereditary Cancer Syndrome; Hereditary neoplastic syndrome. Identifiers: Orphanet 140162, MedGen C0027672, MeSH D009386, MONDO:0015356.
Neuroblastoma, susceptibility to, 3. Also called: ALK-Related Neuroblastic Tumor Susceptibility. Identifiers: Orphanet 635, MedGen C2751681, MONDO:0013083, OMIM 613014.

Allele frequency attached by ClinVar (database versions not stated): gnomAD exomes below 0.00001.
gnomAD v4.1: 3 of 1,612,980 alleles (0.00019%); highest among the groups gnomAD compares: African/African-American, 0.0027%; no homozygotes.

Submissions (2):

Ambry Genetics
Classification: Uncertain significance for Hereditary cancer-predisposing syndrome. Last evaluated: 2026-05-12. Review status: criteria provided, single submitter. Criteria: Ambry Variant Classification Scheme 2023. Collection method: clinical testing. Allele origin: germline.
Comment: The p.L63F variant (also known as c.187C>T), located in coding exon 1 of the ALK gene, results from a C to T substitution at nucleotide position 187. The leucine at codon 63 is replaced by phenylalanine, an amino acid with highly similar properties. This amino acid position is highly conserved in available vertebrate species. In addition, the in silico prediction for this alteration is inconclusive. Based on the available evidence, the clinical significance of this variant remains unclear.

Labcorp Genetics (formerly Invitae), Labcorp
Classification: Uncertain significance for Neuroblastoma, susceptibility to, 3. Last evaluated: 2022-03-14. Review status: criteria provided, single submitter. Criteria: Invitae Variant Classification Sherloc (09022015). Collection method: clinical testing. Allele origin: germline.
Comment: This sequence change replaces leucine, which is neutral and non-polar, with phenylalanine, which is neutral and non-polar, at codon 63 of the ALK protein (p.Leu63Phe). In summary, the available evidence is currently insufficient to determine the role of this variant in disease. Therefore, it has been classified as a Variant of Uncertain Significance. This variant is not present in population databases (gnomAD no frequency). This variant has not been reported in the literature in individuals affected with ALK-related conditions. Algorithms developed to predict the effect of missense changes on protein structure and function are either unavailable or do not agree on the potential impact of this missense change (SIFT: "Deleterious"; PolyPhen-2: "Probably Damaging"; Align-GVGD: "Class C0").

NM_004304.5(ALK):c.187C>T (p.Leu63Phe)

Gene: ALK (ALK receptor tyrosine kinase; minus strand). Cytogenetic location: 2p23.1.
Variant type: single nucleotide variant.
Coding change: c.187C>T on transcript NM_004304.5 (MANE Select); coding-DNA position 187, C replaced by T.
Protein change: p.Leu63Phe; replaces leucine 63 with phenylalanine.
Molecular consequence: missense variant.
Genome position (GRCh38, 1-based): chr2:29,920,473, G>A on the plus strand (C>T on the coding strand, the complement: ALK is on the minus strand). VCF-style: chr2-29920473-G-A. GRCh37 (hg19) VCF-style: chr2-30143339-G-A.
Other names: c.187C>T (NM_004304.4); short protein forms L63F.
Identifiers: ClinVar variation 2078506 (VCV002078506.5), dbSNP rs1203186061, ClinGen allele CA346590523.
Genomic context (GRCh38, chr2:29,920,473, plus strand): 5'-CAGCCTTCAGCTCCGAGGAGGATGGTGGCAGCAGTAGGTCCCGGGCGTAGACACGGAAGA[G>A]CGAGGGCACCACGAAGTCAACTGCCAGACTCTTCCTCTGCAGGCGCGAGTAGCTGAGTGG-3'
Protein context (NP_004295.2, residues 53-73): SLAVDFVVPS[Leu63Phe]FRVYARDLLL